The following is an entry in ClinVar:

ClinVar aggregate classification (germline): Uncertain significance (1 of 4 stars; one submission).

Conditions:
Tumor predisposition syndrome 3 (TPDS3). Also called: Melanoma, cutaneous malignant, susceptibility to, 10; Glioma susceptibility 9; LONG TELOMERE SYNDROME, POT1-RELATED; POT1 Tumor Predisposition. Identifiers: Orphanet 618, MedGen C4014476, MONDO:0014368, OMIM 615848.

Submission:

Labcorp Genetics (formerly Invitae), Labcorp
Classification: Uncertain significance for Tumor predisposition syndrome 3. Last evaluated: 2025-06-22. Review status: criteria provided, single submitter. Criteria: Invitae Variant Classification Sherloc (09022015). Collection method: clinical testing. Allele origin: germline.
Comment: This sequence change replaces glycine, which is neutral and non-polar, with serine, which is neutral and polar, at codon 20 of the POT1 protein (p.Gly20Ser). This variant is not present in population databases (gnomAD no frequency). This variant has not been reported in the literature in individuals affected with POT1-related conditions. Invitae Evidence Modeling of protein sequence and biophysical properties (such as structural, functional, and spatial information, amino acid conservation, physicochemical variation, residue mobility, and thermodynamic stability) indicates that this missense variant is not expected to disrupt POT1 protein function with a negative predictive value of 80%. In summary, the available evidence is currently insufficient to determine the role of this variant in disease. Therefore, it has been classified as a Variant of Uncertain Significance.

NM_015450.3(POT1):c.58G>A (p.Gly20Ser)

Gene: POT1 (protection of telomeres 1; minus strand). Cytogenetic location: 7q31.33.
Variant type: single nucleotide variant.
Coding change: c.58G>A on transcript NM_015450.3 (MANE Select); coding-DNA position 58, G replaced by A.
Protein change: p.Gly20Ser; replaces glycine 20 with serine.
Molecular consequence: missense variant. On other transcripts: 5 prime UTR variant (1), non-coding transcript variant (3).
Genome position (GRCh38, 1-based): chr7:124,892,332, C>T on the plus strand (G>A on the coding strand, the complement: POT1 is on the minus strand). VCF-style: chr7-124892332-C-T. GRCh37 (hg19) VCF-style: chr7-124532386-C-T.
Other names: c.-205G>A (NM_001042594.2); short protein forms G20S.
Identifiers: ClinVar variation 4743432 (VCV004743432.1).